The following is an entry in ClinVar:

NM_000051.4(ATM):c.1066-20G>T

Gene: ATM (ATM serine/threonine kinase; plus strand). Cytogenetic location: 11q22.3.
Variant type: single nucleotide variant.
Coding change: c.1066-20G>T on transcript NM_000051.4 (MANE Select); 20 bases into the intron before coding-DNA position 1066, G replaced by T.
Molecular consequence: intron variant.
Genome position (GRCh38, 1-based): chr11:108,248,913, G>T. VCF-style: chr11-108248913-G-T. GRCh37 (hg19) VCF-style: chr11-108119640-G-T.
Other names: c.1066-20G>T (NM_001351834.2).
Identifiers: ClinVar variation 628554 (VCV000628554.3), dbSNP rs1565378678, ClinGen allele CA913188371.

ClinVar aggregate classification (germline): Likely benign. Review status: criteria provided, multiple submitters, no conflicts (2 of 4 stars). 2 submissions from 2 submitters: Likely benign (2). Last evaluated 2024-04-24.

Conditions:
Familial cancer of breast. Also called: BREAST CANCER, FAMILIAL; Hereditary breast cancer; hereditary breast carcinoma. Identifiers: Orphanet 227535, MedGen C0346153, MONDO:0016419, OMIM 114480. Disease mechanism: loss of function.
Hereditary cancer-predisposing syndrome. Also called: Neoplastic Syndromes, Hereditary; Tumor predisposition; Hereditary neoplastic syndrome; Hereditary Cancer Syndrome. Identifiers: Orphanet 140162, MedGen C0027672, MeSH D009386, MONDO:0015356.

Submissions (2):

Myriad Genetics, Inc.
Classification: Likely benign for Familial cancer of breast. Last evaluated: 2024-04-24. Review status: criteria provided, single submitter. Criteria: Myriad Autosomal Dominant, Autosomal Recessive and X-Linked Classification Criteria (2023). Collection method: clinical testing. Allele origin: unknown.
Comment: This variant is considered likely benign. This variant is intronic and is not expected to impact mRNA splicing.

Color Diagnostics, LLC DBA Color Health
Classification: Likely benign for Hereditary cancer-predisposing syndrome. Last evaluated: 2018-06-06. Review status: criteria provided, single submitter. Criteria: ACMG Guidelines, 2015. Collection method: clinical testing. Allele origin: germline.